The following is an entry in ClinVar:

NM_001042681.2(RERE):c.821C>G (p.Pro274Arg)

Gene: RERE (arginine-glutamic acid dipeptide repeats; minus strand). Cytogenetic location: 1p36.23.
Variant type: single nucleotide variant.
Coding change: c.821C>G on transcript NM_001042681.2 (MANE Select); coding-DNA position 821, C replaced by G.
Protein change: p.Pro274Arg; replaces proline 274 with arginine.
Molecular consequence: missense variant.
Genome position (GRCh38, 1-based): chr1:8,541,223, G>C on the plus strand (C>G on the coding strand, the complement: RERE is on the minus strand). VCF-style: chr1-8541223-G-C. GRCh37 (hg19) VCF-style: chr1-8601282-G-C.
Other names: c.821C>G, p.Pro274Arg (NM_012102.4); short protein forms P274R.
Identifiers: ClinVar variation 2126129 (VCV002126129.4), dbSNP rs2124390727, ClinGen allele CA338223494.

ClinVar aggregate classification (germline): Uncertain significance (1 of 4 stars; one submission).

Submission:

Labcorp Genetics (formerly Invitae), Labcorp
Classification: Uncertain significance. Last evaluated: 2022-04-14. Review status: criteria provided, single submitter. Criteria: Invitae Variant Classification Sherloc (09022015). Collection method: clinical testing. Allele origin: germline.
Comment: This sequence change replaces proline, which is neutral and non-polar, with arginine, which is basic and polar, at codon 274 of the RERE protein (p.Pro274Arg). This variant is not present in population databases (gnomAD no frequency). This variant has not been reported in the literature in individuals affected with RERE-related conditions. Advanced modeling of protein sequence and biophysical properties (such as structural, functional, and spatial information, amino acid conservation, physicochemical variation, residue mobility, and thermodynamic stability) performed at Invitae indicates that this missense variant is expected to disrupt RERE protein function. In summary, the available evidence is currently insufficient to determine the role of this variant in disease. Therefore, it has been classified as a Variant of Uncertain Significance.